The following is an entry in ClinVar:

ClinVar aggregate classification (germline): Uncertain significance (1 of 4 stars; one submission).

Conditions:
Hereditary cancer-predisposing syndrome. Also called: Neoplastic Syndromes, Hereditary; Tumor predisposition; Hereditary Cancer Syndrome; Hereditary neoplastic syndrome. Identifiers: Orphanet 140162, MedGen C0027672, MeSH D009386, MONDO:0015356.

Allele frequency attached by ClinVar (database versions not stated): gnomAD exomes below 0.00001.
gnomAD v4.1: 1 of 1,613,700 alleles (0.000062%); no homozygotes.

Submission:

Color Diagnostics, LLC DBA Color Health
Classification: Uncertain significance for Hereditary cancer-predisposing syndrome. Last evaluated: 2020-10-06. Review status: criteria provided, single submitter. Criteria: ACMG Guidelines, 2015. Collection method: clinical testing. Allele origin: germline.
Comment: This missense variant replaces isoleucine with valine at codon 1313 of the MSH6 protein. Computational prediction suggests that this variant may not impact protein structure and function (internally defined REVEL score threshold <= 0.5, PMID: 27666373). To our knowledge, functional studies have not been reported for this variant. This variant has not been reported in individuals affected with hereditary cancer in the literature. This variant has been identified in 1/250046 chromosomes in the general population by the Genome Aggregation Database (gnomAD). The available evidence is insufficient to determine the role of this variant in disease conclusively. Therefore, this variant is classified as a Variant of Uncertain Significance.

NM_000179.3(MSH6):c.3937A>G (p.Ile1313Val)

Gene: MSH6 (mutS homolog 6; plus strand). Cytogenetic location: 2p16.3.
Variant type: single nucleotide variant.
Coding change: c.3937A>G on transcript NM_000179.3 (MANE Select); coding-DNA position 3937, A replaced by G.
Protein change: p.Ile1313Val; replaces isoleucine 1313 with valine.
Molecular consequence: missense variant.
Genome position (GRCh38, 1-based): chr2:47,806,587, A>G. VCF-style: chr2-47806587-A-G. GRCh37 (hg19) VCF-style: chr2-48033726-A-G.
Other names: c.3547A>G, p.Ile1183Val (NM_001281492.2); c.3031A>G, p.Ile1011Val (NM_001281493.2, NM_001281494.2); short protein forms I1183V, I1313V, I1011V.
Identifiers: ClinVar variation 922523 (VCV000922523.3), dbSNP rs1558394171, ClinGen allele CA346761494.